The following is an entry in ClinVar:

NM_001365999.1(SZT2):c.1905T>G (p.Tyr635Ter)

Gene: SZT2 (SZT2 subunit of KICSTOR complex; plus strand). Cytogenetic location: 1p34.2.
Variant type: single nucleotide variant.
Coding change: c.1905T>G on transcript NM_001365999.1 (MANE Select); coding-DNA position 1905, T replaced by G.
Protein change: p.Tyr635Ter; replaces tyrosine 635 with a stop codon.
Molecular consequence: nonsense.
Genome position (GRCh38, 1-based): chr1:43,422,615, T>G. VCF-style: chr1-43422615-T-G. GRCh37 (hg19) VCF-style: chr1-43888286-T-G.
Other names: c.1905T>G, p.Tyr635Ter (NM_015284.4); short protein forms Y635*.
Identifiers: ClinVar variation 3694160 (VCV003694160.2).

ClinVar aggregate classification (germline): Pathogenic (1 of 4 stars; one submission).

Submission:

Labcorp Genetics (formerly Invitae), Labcorp
Classification: Pathogenic. Last evaluated: 2025-03-10. Review status: criteria provided, single submitter. Criteria: Invitae Variant Classification Sherloc (09022015). Collection method: clinical testing. Allele origin: germline.
Comment: This sequence change creates a premature translational stop signal (p.Tyr635*) in the SZT2 gene. It is expected to result in an absent or disrupted protein product. Loss-of-function variants in SZT2 are known to be pathogenic (PMID: 23932106, 27248490, 28556953). This variant is not present in population databases (gnomAD no frequency). This variant has not been reported in the literature in individuals affected with SZT2-related conditions. Algorithms developed to predict the effect of sequence changes on RNA splicing suggest that this variant may disrupt the consensus splice site. For these reasons, this variant has been classified as Pathogenic.

Literature cited by the submitters: PubMed 23932106; PubMed 27248490; PubMed 28556953.